The following is an entry in ClinVar:

ClinVar aggregate classification (germline): Uncertain significance (1 of 4 stars; one submission).

Submission:

Labcorp Genetics (formerly Invitae), Labcorp
Classification: Uncertain significance. Last evaluated: 2024-05-13. Review status: criteria provided, single submitter. Criteria: Invitae Variant Classification Sherloc (09022015). Collection method: clinical testing. Allele origin: germline.
Comment: This sequence change replaces alanine, which is neutral and non-polar, with threonine, which is neutral and polar, at codon 43 of the PITPNM3 protein (p.Ala43Thr). This variant is present in population databases (no rsID available, gnomAD 0.01%). This variant has not been reported in the literature in individuals affected with PITPNM3-related conditions. Algorithms developed to predict the effect of missense changes on protein structure and function output the following: SIFT: "Not Available"; PolyPhen-2: "Benign"; Align-GVGD: "Not Available". The threonine amino acid residue is found in multiple mammalian species, which suggests that this missense change does not adversely affect protein function. In summary, the available evidence is currently insufficient to determine the role of this variant in disease. Therefore, it has been classified as a Variant of Uncertain Significance.

NM_031220.4(PITPNM3):c.127G>A (p.Ala43Thr)

Gene: PITPNM3 (PITPNM family member 3; minus strand). Cytogenetic location: 17p13.1.
Variant type: single nucleotide variant.
Coding change: c.127G>A on transcript NM_031220.4 (MANE Select); coding-DNA position 127, G replaced by A.
Protein change: p.Ala43Thr; replaces alanine 43 with threonine.
Molecular consequence: missense variant. On other transcripts: intron variant (1).
Genome position (GRCh38, 1-based): chr17:6,525,455, C>T on the plus strand (G>A on the coding strand, the complement: PITPNM3 is on the minus strand). VCF-style: chr17-6525455-C-T. GRCh37 (hg19) VCF-style: chr17-6428775-C-T.
Other names: c.118+12532G>A (NM_001165966.2); short protein forms A43T.
Identifiers: ClinVar variation 3689947 (VCV003689947.2).